The following is an entry in ClinVar:

ClinVar aggregate classification (germline): Benign. Review status: criteria provided, multiple submitters, no conflicts (2 of 4 stars). 2 submissions from 2 submitters: Benign (2). Last evaluated 2026-02-01.

Conditions:
Dilated cardiomyopathy 1KK (CMD1KK). Identifiers: Orphanet 154, Orphanet 75249, MedGen C3714995, MONDO:0014100, OMIM 615248.

Allele frequency attached by ClinVar (database versions not stated): gnomAD exomes 0.00152 and 0.00378; ExAC 0.00442; gnomAD 0.01435 and 0.01557; ESP Exome Variant Server 0.01453; 1000 Genomes Project 0.01538; 1000 Genomes Project 30x 0.01640; TOPMed 0.01657.

Submissions (2):

Labcorp Genetics (formerly Invitae), Labcorp
Classification: Benign for Dilated cardiomyopathy 1KK. Last evaluated: 2026-02-01. Review status: criteria provided, single submitter. Criteria: Invitae Variant Classification Sherloc (09022015). Collection method: clinical testing. Allele origin: germline.

GeneDx
Classification: Benign. Last evaluated: 2014-03-19. Review status: criteria provided, single submitter. Criteria: GeneDx Variant Classification (06012015). Collection method: clinical testing. Allele origin: germline. Affected: yes.
Comment: This variant is considered likely benign or benign based on one or more of the following criteria: it is a conservative change, it occurs at a poorly conserved position in the protein, it is predicted to be benign by multiple in silico algorithms, and/or has population frequency not consistent with disease.

NM_032578.4(MYPN):c.2886= (p.Val962=)

Gene: MYPN (myopalladin; plus strand). Cytogenetic location: 10q21.3.
Variant type: single nucleotide variant.
Coding change: c.2886= on transcript NM_032578.4 (MANE Select); coding-DNA position 2886, no change from the reference sequence.
Protein change: p.Val962=; no amino-acid change (valine 962 retained).
Molecular consequence: no sequence alteration. On other transcripts: non-coding transcript variant (2).
Genome position: GRCh38 VCF-style: chr10-68189087-T-T. GRCh37 (hg19) VCF-style: chr10-69948844-T-T.
Other names: p.V962V:GTC>GTT; c.2886=, p.Val962= (NM_001256267.2); c.2004=, p.Val668= (NM_001256268.2).
Identifiers: ClinVar variation 138421 (VCV000138421.12), dbSNP rs10733838.